The following is an entry in ClinVar:

ClinVar aggregate classification (germline): Uncertain significance (1 of 4 stars; one submission).

Submission:

GeneDx
Classification: Uncertain significance. Last evaluated: 2022-10-21. Review status: criteria provided, single submitter. Criteria: GeneDx Variant Classification Process June 2021. Collection method: clinical testing. Allele origin: germline. Affected: yes.
Comment: Not observed at significant frequency in large population cohorts (gnomAD); In silico analysis supports that this missense variant does not alter protein structure/function; Has not been previously published as pathogenic or benign to our knowledge

NM_001273.5(CHD4):c.2096G>A (p.Arg699Lys)

Gene: CHD4 (chromodomain helicase DNA binding protein 4; minus strand). Cytogenetic location: 12p13.31.
Variant type: single nucleotide variant.
Coding change: c.2096G>A on transcript NM_001273.5 (MANE Select); coding-DNA position 2096, G replaced by A.
Protein change: p.Arg699Lys; replaces arginine 699 with lysine.
Molecular consequence: missense variant.
Genome position (GRCh38, 1-based): chr12:6,595,359, C>T on the plus strand (G>A on the coding strand, the complement: CHD4 is on the minus strand). VCF-style: chr12-6595359-C-T. GRCh37 (hg19) VCF-style: chr12-6704525-C-T.
Other names: c.2075G>A, p.Arg692Lys (NM_001297553.2); c.2057G>A, p.Arg686Lys (NM_001363606.2); short protein forms R686K, R692K, R699K.
Identifiers: ClinVar variation 2499765 (VCV002499765.1), dbSNP rs2540402367, ClinGen allele CA383595651.